The following is an entry in ClinVar:

NC_000016.10:g.88334974_88341919del

Gene: ZNF469 (zinc finger protein 469; plus strand). Cytogenetic location: 16q24.2.
Variant type: Deletion.
Genome position: GRCh38: chr16:88,334,974-88,341,919. GRCh37 (hg19): chr16:88,368,580-88,375,525.
Other names: NM_000135.2:c.1626+1259_1900+1087del.
Identifiers: ClinVar variation 974319 (VCV000974319.2), ClinGen allele CA1139664855.

ClinVar aggregate classification (germline): Pathogenic (0 of 4 stars; one submission).

Conditions:
Fanconi anemia complementation group A (FANCA). Also called: Fanconi anemia, group A; FANCA-Related Fanconi Anemia. Identifiers: Orphanet 84, MedGen C3469521, MONDO:0009215, OMIM 227650.

Submission:

Leiden Open Variation Database
Classification: Pathogenic for Fanconi anemia complementation group A. Last evaluated: 2020-02-28. Review status: no assertion criteria provided. Collection method: curation. Allele origin: germline. Affected: yes.
Comment: Curator: Arleen D. Auerbach. Submitter to LOVD: Arleen D. Auerbach.

Literature cited by the submitters: PubMed 25168418.